The following is an entry in ClinVar:

ClinVar aggregate classification (germline): Conflicting classifications of pathogenicity. Review status: criteria provided, conflicting classifications (1 of 4 stars). 3 submissions from 3 submitters: Likely pathogenic (1); Uncertain significance (2). Last evaluated 2026-01-23.

Conditions:
ABCB4-related disorder. Also called: ABCB4-related disorders; ABCB4-related condition.

Allele frequency attached by ClinVar (database versions not stated): gnomAD exomes below 0.00001 and 0.00001; gnomAD 0.00001.
gnomAD v4.1: 13 of 1,613,738 alleles (0.00081%); highest among the groups gnomAD compares: African/African-American, 0.0013%; no homozygotes.

Submissions (3):

PreventionGenetics, part of Exact Sciences
Classification: Uncertain significance for ABCB4-related condition. Last evaluated: 2026-01-23. Review status: criteria provided, single submitter. Criteria: ACMG Guidelines, 2015. Collection method: clinical testing. Allele origin: germline.
Comment: The ABCB4 c.1151G>A variant is predicted to result in the amino acid substitution p.Gly384Glu. This variant has been reported in the heterozygous state in an individual with intrahepatic cholestasis of pregnancy (Huynh et al. 2019. PubMed ID: 31538484). Alternate nucleotide changes (c.1150G>A, c.1150G>C) leading to a different amino acid change at the same position (p.Gly384Arg) have been reported in the compound heterozygous state in individuals with progressive familial intrahepatic cholestasis type 3 (Bardak et al. 2025. PubMed ID: 39872042; Supplementary Table 2, Cao et al. 2024. PubMed ID: 38610052). This variant is reported in 0.00088% of alleles in individuals of European (Non-Finnish) descent in gnomAD. At this time, the clinical significance of this variant is uncertain due to the absence of conclusive functional and genetic evidence.

Labcorp Genetics (formerly Invitae), Labcorp
Classification: Uncertain significance. Last evaluated: 2022-05-31. Review status: criteria provided, single submitter. Criteria: Invitae Variant Classification Sherloc (09022015). Collection method: clinical testing. Allele origin: germline.
Comment: This variant is present in population databases (no rsID available, gnomAD 0.0009%). In summary, the available evidence is currently insufficient to determine the role of this variant in disease. Therefore, it has been classified as a Variant of Uncertain Significance. Advanced modeling of protein sequence and biophysical properties (such as structural, functional, and spatial information, amino acid conservation, physicochemical variation, residue mobility, and thermodynamic stability) performed at Invitae indicates that this missense variant is expected to disrupt ABCB4 protein function. ClinVar contains an entry for this variant (Variation ID: 1676067). This variant has not been reported in the literature in individuals affected with ABCB4-related conditions. This sequence change replaces glycine, which is neutral and non-polar, with glutamic acid, which is acidic and polar, at codon 384 of the ABCB4 protein (p.Gly384Glu).

CeGaT Center for Human Genetics Tuebingen
Classification: Likely pathogenic. Last evaluated: 2022-02-01. Review status: criteria provided, single submitter. Criteria: CeGaT Center For Human Genetics Tuebingen Variant Classification Criteria Version 2. Collection method: clinical testing. Allele origin: germline. Affected: yes. Observed: 1 variant allele.

NM_000443.4(ABCB4):c.1151G>A (p.Gly384Glu)

Gene: ABCB4 (ATP binding cassette subfamily B member 4; minus strand). Cytogenetic location: 7q21.12.
Variant type: single nucleotide variant.
Coding change: c.1151G>A on transcript NM_000443.4 (MANE Select); coding-DNA position 1151, G replaced by A.
Protein change: p.Gly384Glu; replaces glycine 384 with glutamic acid.
Molecular consequence: missense variant.
Genome position (GRCh38, 1-based): chr7:87,443,742, C>T on the plus strand (G>A on the coding strand, the complement: ABCB4 is on the minus strand). VCF-style: chr7-87443742-C-T. GRCh37 (hg19) VCF-style: chr7-87073058-C-T.
Other names: c.1151G>A, p.Gly384Glu (NM_018849.3, NM_018850.3); c.1151G>A (NM_000443.3); short protein forms G384E.
Identifiers: ClinVar variation 1676067 (VCV001676067.37), dbSNP rs886894962, ClinGen allele CA162092918.
Genomic context (GRCh38, chr7:87,443,742, plus strand): 5'-GGGTAAGAAAAGTGAACATCATTGAACTCCAAATTCCCTTTGATGCTGTCTGGTTTGTGT[C>T]CTCTCTCTGAAAAACTGTCAATTTTAGGATTCTAAATAAAACAAAATGTAATGACTATTC-3'
Protein context (NP_000434.1, residues 374-394): NPKIDSFSER[Gly384Glu]HKPDSIKGNL